The following is an entry in ClinVar:

ClinVar aggregate classification (germline): Likely pathogenic. Review status: criteria provided, multiple submitters, no conflicts (2 of 4 stars). 5 submissions from 5 submitters: Likely pathogenic (3). 2 of the submissions do not count toward it. Last evaluated 2024-10-30.

Conditions:
Cardiac arrhythmia. Also called: Arrhythmia; Cardiac rhythm disease. Identifiers: MedGen C0003811, MONDO:0007263, HP:0011675.
Cardiovascular phenotype. Identifiers: MedGen CN230736.
Familial long QT syndrome (RWS). Also called: Congenital long QT syndrome; Romano-Ward syndrome; VENTRICULAR FIBRILLATION WITH PROLONGED QT INTERVAL. Identifiers: Orphanet 768, MedGen C1141890, MONDO:0019171.
Long QT syndrome (LQTS). Identifiers: MedGen C0023976, MeSH D008133, MONDO:0002442. Disease mechanism: loss of function. Inheritance: Various modes of inheritance.

Submissions (5):

Labcorp Genetics (formerly Invitae), Labcorp
Classification: Likely pathogenic for Long QT syndrome. Last evaluated: 2024-10-30. Review status: criteria provided, single submitter. Criteria: Invitae Variant Classification Sherloc (09022015). Collection method: clinical testing. Allele origin: germline.
Comment: This sequence change replaces glycine, which is neutral and non-polar, with glutamic acid, which is acidic and polar, at codon 189 of the KCNQ1 protein (p.Gly189Glu). This variant is not present in population databases (gnomAD no frequency). This missense change has been observed in individual(s) with Long QT syndrome (PMID: 17470695, 22949429, 31737537). ClinVar contains an entry for this variant (Variation ID: 53068). Invitae Evidence Modeling of protein sequence and biophysical properties (such as structural, functional, and spatial information, amino acid conservation, physicochemical variation, residue mobility, and thermodynamic stability) indicates that this missense variant is expected to disrupt KCNQ1 protein function with a positive predictive value of 95%. Experimental studies have shown that this missense change affects KCNQ1 function (PMID: 22456477, 30571187). This variant disrupts the p.Gly189 amino acid residue in KCNQ1. Other variant(s) that disrupt this residue have been determined to be pathogenic (PMID: 8528244, 10376919, 22373669, 22456477). This suggests that this residue is clinically significant, and that variants that disrupt this residue are likely to be disease-causing. In summary, the currently available evidence indicates that the variant is pathogenic, but additional data are needed to prove that conclusively. Therefore, this variant has been classified as Likely Pathogenic.

Color Diagnostics, LLC DBA Color Health
Classification: Likely pathogenic for Cardiac arrhythmia. Last evaluated: 2024-03-18. Review status: criteria provided, single submitter. Criteria: ACMG Guidelines, 2015. Collection method: clinical testing. Allele origin: germline.
Comment: This missense variant replaces glycine with glutamic acid at codon 189 of the KCNQ1 protein. This variant is found within the highly conserved cytoplasmic linker region (a.a. 169-196). A functional study has shown that this variant causes reduced whole-cell current in CHO cells (PMID: 30571187). This variant has been reported in at least four unrelated individuals affected long QT syndrome (PMID: 17470695, 19841300, 21185501, 21350584, 22456477, 22949429, 26318259, 32893267). This variant has not been identified in the general population by the Genome Aggregation Database (gnomAD). A different missense variant occurring at the same codon, p.Gly189Arg, is known to be pathogenic (ClinVar variation ID 3114), indicating that glycine at this position is important for KCNQ1 protein function. Based on the available evidence, this variant is classified as Likely Pathogenic.

All of Us Research Program, National Institutes of Health
Classification: Likely pathogenic for Long QT syndrome. Last evaluated: 2023-12-10. Review status: criteria provided, single submitter. Criteria: ACMG Guidelines, 2015. Collection method: clinical testing. Allele origin: germline. Inheritance: Autosomal dominant inheritance. Observed: 1 variant allele, 1 heterozygote.
Comment: The c.566G>A (p.Gly189Glu) variant in the KCNQ1 gene replaces glycine with glutamine at codon 189. This variant has been reported in individuals with long QT syndrome (PMID: 21185501, 21350584, 19490272, 19841300, 17470695, 22949429, 26318259). Experimental studies have shown that this variant has a negative impact on normal protein function (PMID 30571187). Computational models predict a pathogenic impact of this variant on the translated protein (REVEL score: 0.94). ClinVar contains an entry for this variant (ID: 53068). Another variant affecting the same amino acid, p.Gly189Arg has been reported to be likely pathogenic/pathogenic in ClinVar (ID: 3114). This variant is absent in the general population database, gnomAD. Therefore, the c.566G>A (p.Gly189Glu) variant in the KCNQ1 gene is classified as likely pathogenic.

This study involves interpretation of variants in research participants for the purpose of population health screening. Participant phenotype was not available at the time of variant classification. Additional details can be found in publication PMID: 35346344, PMCID: PMC8962531

Cardiovascular Biomedical Research Unit, Royal Brompton & Harefield NHS Foundation Trust
No classification provided. Condition: Familial long QT syndrome. Review status: no classification provided. Collection method: literature only. Allele origin: germline. Not counted in ClinVar's aggregate classification.
Comment: This variant has been reported as associated with Long QT syndrome in the following publications (PMID:17470695;PMID:19841300). This is a literature report, and does not necessarily reflect the clinical interpretation of the Imperial College / Royal Brompton Cardiovascular Genetics laboratory.

Ambry Genetics
Classification: Uncertain significance for Cardiovascular phenotype. Last evaluated: 2018-02-12. Review status: flagged submission. Criteria: Ambry Variant Classification Scheme 2023. Collection method: clinical testing. Allele origin: germline. Not counted in ClinVar's aggregate classification.
ClinVar note: Reason: Older and outlier claim with insufficient supporting evidence

Literature cited by the submitters: PubMed 17470695 (cited by 4 submitters); PubMed 22949429 (cited by 3 submitters); PubMed 31737537 (cited by Labcorp Genetics (formerly Invitae), Labcorp); PubMed 22456477 (cited by Labcorp Genetics (formerly Invitae), Labcorp and Color Diagnostics, LLC DBA Color Health); PubMed 30571187 (cited by Labcorp Genetics (formerly Invitae), Labcorp and Color Diagnostics, LLC DBA Color Health); PubMed 8528244 (cited by Labcorp Genetics (formerly Invitae), Labcorp); PubMed 10376919 (cited by Labcorp Genetics (formerly Invitae), Labcorp); PubMed 22373669 (cited by Labcorp Genetics (formerly Invitae), Labcorp); PubMed 19841300 (cited by 3 submitters); PubMed 21185501 (cited by Color Diagnostics, LLC DBA Color Health and All of Us Research Program, National Institutes of Health); PubMed 21350584 (cited by Color Diagnostics, LLC DBA Color Health and All of Us Research Program, National Institutes of Health); PubMed 26318259 (cited by Color Diagnostics, LLC DBA Color Health and All of Us Research Program, National Institutes of Health); PubMed 32893267 (cited by Color Diagnostics, LLC DBA Color Health); PubMed 19490272 (cited by All of Us Research Program, National Institutes of Health); PubMed 22581653 (cited by Cardiovascular Biomedical Research Unit, Royal Brompton & Harefield NHS Foundation Trust).

NM_000218.3(KCNQ1):c.566G>A (p.Gly189Glu)

Gene: KCNQ1 (potassium voltage-gated channel subfamily Q member 1; plus strand). Cytogenetic location: 11p15.5.
Variant type: single nucleotide variant.
Coding change: c.566G>A on transcript NM_000218.3 (MANE Select); coding-DNA position 566, G replaced by A.
Protein change: p.Gly189Glu; replaces glycine 189 with glutamic acid.
Molecular consequence: missense variant.
Genome position (GRCh38, 1-based): chr11:2,570,716, G>A. VCF-style: chr11-2570716-G-A. GRCh37 (hg19) VCF-style: chr11-2591946-G-A.
Other names: c.566G>A (LRG_287t1); c.566G>A, p.Gly189Glu (NM_001406836.1); c.296G>A, p.Gly99Glu (NM_001406837.1); c.185G>A, p.Gly62Glu (NM_181798.2); short protein forms G189E, G62E, G99E.
Identifiers: ClinVar variation 53068 (VCV000053068.7), dbSNP rs199473400, ClinGen allele CA007497.